The following is an entry in ClinVar:

ClinVar aggregate classification (germline): Uncertain significance (1 of 4 stars; one submission).

Conditions:
Immunodeficiency, common variable, 7. Identifiers: Orphanet 1572, Orphanet 696894, MedGen C3542922, MONDO:0013862, OMIM 614699.

Allele frequency attached by ClinVar (database versions not stated): gnomAD exomes below 0.00001.
gnomAD v4.1: 1 of 1,613,998 alleles (0.000062%); highest among the groups gnomAD compares: East Asian, 0.0022%; no homozygotes.

Submission:

Labcorp Genetics (formerly Invitae), Labcorp
Classification: Uncertain significance for Immunodeficiency, common variable, 7. Last evaluated: 2022-08-16. Review status: criteria provided, single submitter. Criteria: Invitae Variant Classification Sherloc (09022015). Collection method: clinical testing. Allele origin: germline.
Comment: This sequence change replaces aspartic acid, which is acidic and polar, with asparagine, which is neutral and polar, at codon 367 of the CR2 protein (p.Asp367Asn). This variant is not present in population databases (gnomAD no frequency). In summary, the available evidence is currently insufficient to determine the role of this variant in disease. Therefore, it has been classified as a Variant of Uncertain Significance. Algorithms developed to predict the effect of missense changes on protein structure and function (SIFT, PolyPhen-2, Align-GVGD) all suggest that this variant is likely to be tolerated. ClinVar contains an entry for this variant (Variation ID: 1485597). This variant has not been reported in the literature in individuals affected with CR2-related conditions.

NM_001006658.3(CR2):c.1099G>A (p.Asp367Asn)

Genes: CR2 (complement C3d receptor 2; plus strand), LOC126805994 (BRD4-independent group 4 enhancer GRCh37_chr1:207642622-207643821; plus strand). Cytogenetic location: 1q32.2.
Variant type: single nucleotide variant.
Coding change: c.1099G>A on transcript NM_001006658.3 (MANE Select); coding-DNA position 1099, G replaced by A.
Protein change: p.Asp367Asn; replaces aspartic acid 367 with asparagine.
Molecular consequence: missense variant.
Genome position (GRCh38, 1-based): chr1:207,469,976, G>A. VCF-style: chr1-207469976-G-A. GRCh37 (hg19) VCF-style: chr1-207643321-G-A.
Other names: c.1099G>A, p.Asp367Asn (NM_001877.5); short protein forms D367N.
Identifiers: ClinVar variation 1485597 (VCV001485597.8), dbSNP rs2102303421, ClinGen allele CA344529195.